The following is an entry in ClinVar:

NM_018255.4(ELP2):c.217+2dup

Gene: ELP2 (elongator acetyltransferase complex subunit 2; plus strand). Cytogenetic location: 18q12.2.
Variant type: Duplication.
Coding change: c.217+2dup on transcript NM_018255.4 (MANE Select); the canonical splice donor site of the intron after coding-DNA position 217, one base duplicated (T; older notation c.217+2dupT).
Molecular consequence: splice donor variant. On other transcripts: intron variant (1).
Genome position (GRCh38, 1-based): chr18:36,133,318, T duplicated. VCF-style (leftmost placement, unchanged base first): chr18-36133317-G-GT. GRCh37 (hg19) VCF-style: chr18-33713280-G-GT.
Other names: c.217+2dup (NM_001242875.3, NM_001324467.2, NM_001324465.2 and 5 more transcripts); c.-230-2989dup (NM_001324468.2).
Identifiers: ClinVar variation 2272614 (VCV002272614.2), dbSNP rs1371468990, ClinGen allele CA778817317.

ClinVar aggregate classification (germline): Uncertain significance (1 of 4 stars; one submission).

Conditions:
Inborn genetic diseases. Identifiers: MedGen C0950123, MeSH D030342.

Allele frequency attached by ClinVar (database versions not stated): gnomAD exomes below 0.00001; TOPMed below 0.00001.

Submission:

Ambry Genetics
Classification: Uncertain significance for Inborn genetic diseases. Last evaluated: 2022-02-26. Review status: criteria provided, single submitter. Criteria: Ambry Variant Classification Scheme 2023. Collection method: clinical testing. Allele origin: germline.
Comment: The c.217+2dupT alteration is located in Intron 2 (E) of the ELP2 gene. This alteration consists of a duplication of 1 nucleotides at nucleotide position c.2172 within Intron 2 (E). Based on insufficient or conflicting evidence, the clinical significance of this alteration remains unclear.